The following is an entry in ClinVar:

ClinVar aggregate classification (germline): Pathogenic (3 of 4 stars; one submission).

Conditions:
Breast-ovarian cancer, familial, susceptibility to, 1 (BROVCA1). Also called: BRCA1 Hereditary Breast and Ovarian Cancer; OVARIAN CANCER, SUSCEPTIBILITY TO. Identifiers: Orphanet 145, MedGen C2676676, MONDO:0011450, OMIM 604370. Disease mechanism: loss of function.

Submission:

Evidence-based Network for the Interpretation of Germline Mutant Alleles (ENIGMA)
Classification: Pathogenic for Breast-ovarian cancer, familial, susceptibility to, 1. Last evaluated: 2017-12-15. Review status: reviewed by expert panel. Criteria: ENIGMA BRCA1/2 Classification Criteria (2017-06-29). Collection method: curation. Allele origin: germline. Study: ENIGMA.
Comment: Variant allele predicted to encode a truncated non-functional protein.

NM_007294.4(BRCA1):c.183_184insGCGC (p.Pro62fs)

Gene: BRCA1 (BRCA1 DNA repair associated; minus strand). Cytogenetic location: 17q21.31.
Variant type: Insertion.
Coding change: c.183_184insGCGC on transcript NM_007294.4 (MANE Select); coding-DNA positions 183 to 184, GCGC inserted.
Protein change: p.Pro62fs; shifts the reading frame from proline 62.
Molecular consequence: frameshift variant. On other transcripts: non-coding transcript variant (1).
Genome position: GRCh38 VCF-style: chr17-43106484-G-GGCGC. GRCh37 (hg19) VCF-style: chr17-41258501-G-GGCGC.
Other names: c.-6_-5insGCGC (NM_001407571.1, NM_001407853.1, NM_001407879.1 and 58 more transcripts); c.183_184insGCGC, p.Pro62Alafs (NM_001407581.1, NM_001407582.1, NM_001407583.1 and 166 more transcripts); c.42_43insGCGC, p.Pro15Alafs (NM_001407692.1, NM_001407694.1, NM_001407695.1 and 98 more transcripts); c.42_43insGCGC, p.Pro15fs (NM_007297.4); c.183_184insGCGC, p.Pro62fs (NM_007299.4, NM_007300.4); short protein forms P15fs, P62fs.
Identifiers: ClinVar variation 548199 (VCV000548199.2), dbSNP rs1555597239, ClinGen allele CA658823840.